The following is an entry in ClinVar:

NM_001103.4(ACTN2):c.2661A>C (p.Ala887=)

Gene: ACTN2 (actinin alpha 2; plus strand). Cytogenetic location: 1q43.
Variant type: single nucleotide variant.
Coding change: c.2661A>C on transcript NM_001103.4 (MANE Select); coding-DNA position 2661, A replaced by C.
Protein change: p.Ala887=; no amino-acid change (alanine 887 retained).
Molecular consequence: synonymous variant.
Genome position (GRCh38, 1-based): chr1:236,762,595, A>C. VCF-style: chr1-236762595-A-C. GRCh37 (hg19) VCF-style: chr1-236925895-A-C.
Other names: c.2661A>C, p.Ala887= (NM_001278343.2); c.2037A>C, p.Ala679= (NM_001278344.2).
Identifiers: ClinVar variation 701012 (VCV000701012.36), dbSNP rs760091931, ClinGen allele CA423811258.

ClinVar aggregate classification (germline): Likely benign. Review status: criteria provided, multiple submitters, no conflicts (2 of 4 stars). 3 submissions from 3 submitters: Likely benign (3). Last evaluated 2025-06-27.

Conditions:
Dilated cardiomyopathy 1AA (CMD1AA). Also called: CARDIOMYOPATHY, DILATED, 1AA, WITH OR WITHOUT LEFT VENTRICULAR NONCOMPACTION; CARDIOMYOPATHY, FAMILIAL HYPERTROPHIC, 23, WITH OR WITHOUT LEFT VENTRICULAR NONCOMPACTION; Cardiomyopathy, dilated, 1AA, with or without LVNC. Identifiers: Orphanet 154, MedGen C2677338, MONDO:0012808, OMIM 612158.
Primary familial hypertrophic cardiomyopathy (HCM). Identifiers: Orphanet 99739, MedGen C0949658, MeSH D024741, MONDO:0024573. Inheritance: Various modes of inheritance.
Cardiovascular phenotype. Identifiers: MedGen CN230736.

Allele frequency attached by ClinVar (database versions not stated): gnomAD 0.00001; TOPMed 0.00002.
gnomAD v4.1: 20 of 1,613,910 alleles (0.0012%); highest among the groups gnomAD compares: East Asian, 0.0022%; no homozygotes.

Submissions (3):

Labcorp Genetics (formerly Invitae), Labcorp
Classification: Likely benign for Primary familial hypertrophic cardiomyopathy; Dilated cardiomyopathy 1AA. Last evaluated: 2025-06-27. Review status: criteria provided, single submitter. Criteria: Invitae Variant Classification Sherloc (09022015). Collection method: clinical testing. Allele origin: germline.

CeGaT Center for Human Genetics Tuebingen
Classification: Likely benign. Last evaluated: 2023-02-01. Review status: criteria provided, single submitter. Criteria: CeGaT Center For Human Genetics Tuebingen Variant Classification Criteria Version 2. Collection method: clinical testing. Allele origin: germline. Affected: yes. Observed: 1 variant allele.
Comment: ACTN2: BP4, BP7

Ambry Genetics
Classification: Likely benign for Cardiovascular phenotype. Last evaluated: 2020-12-09. Review status: criteria provided, single submitter. Criteria: Ambry Variant Classification Scheme 2023. Collection method: clinical testing. Allele origin: germline.